The following is an entry in ClinVar:

ClinVar aggregate classification (germline): Pathogenic (1 of 4 stars; one submission).

Conditions:
Mitochondrial hypertrophic cardiomyopathy with lactic acidosis due to MTO1 deficiency. Also called: Combined oxidative phosphorylation deficiency 10; CARDIOMYOPATHY, INFANTILE HYPERTROPHIC MITOCHONDRIAL, AND LACTIC ACIDOSIS. Identifiers: Orphanet 314637, MedGen C4749921, MONDO:0013865, OMIM 614702.

Submission:

Labcorp Genetics (formerly Invitae), Labcorp
Classification: Pathogenic for Mitochondrial hypertrophic cardiomyopathy with lactic acidosis due to MTO1 deficiency. Last evaluated: 2024-06-21. Review status: criteria provided, single submitter. Criteria: Invitae Variant Classification Sherloc (09022015). Collection method: clinical testing. Allele origin: germline.
Comment: This sequence change creates a premature translational stop signal (p.Leu474Phefs*6) in the MTO1 gene. It is expected to result in an absent or disrupted protein product. Loss-of-function variants in MTO1 are known to be pathogenic (PMID: 22608499, 25058219). This variant is present in population databases (no rsID available, gnomAD 0.0009%). This variant has not been reported in the literature in individuals affected with MTO1-related conditions. ClinVar contains an entry for this variant (Variation ID: 2150102). Algorithms developed to predict the effect of sequence changes on RNA splicing suggest that this variant may disrupt the consensus splice site. For these reasons, this variant has been classified as Pathogenic.

Literature cited by the submitters: PubMed 22608499; PubMed 25058219.

NM_012123.4(MTO1):c.1421dup (p.Leu474fs)

Gene: MTO1 (mitochondrial tRNA translation optimization 1; plus strand). Cytogenetic location: 6q13.
Variant type: Duplication.
Coding change: c.1421dup on transcript NM_012123.4 (MANE Select); coding-DNA position 1421, one base duplicated (T; older notation c.1421dupT).
Protein change: p.Leu474fs; shifts the reading frame from leucine 474.
Molecular consequence: frameshift variant.
Genome position (GRCh38, 1-based): chr6:73,482,200, T duplicated; the last of 3 consecutive T bases (chr6:73,482,198-73,482,200); duplicating any one gives the same sequence. VCF-style (leftmost placement, unchanged base first): chr6-73482197-G-GT. GRCh37 (hg19) VCF-style: chr6-74191920-G-GT.
Other names: c.1541dup, p.Leu514fs (NM_001123226.2); c.1496dup, p.Leu499fs (NM_133645.3); short protein forms L514fs, L499fs, L474fs.
Identifiers: ClinVar variation 2150102 (VCV002150102.3), dbSNP rs934138970, ClinGen allele CA140963144.